The following is an entry in ClinVar:

NM_000784.4(CYP27A1):c.1076A>C (p.Glu359Ala)

Gene: CYP27A1 (cytochrome P450 family 27 subfamily A member 1; plus strand). Cytogenetic location: 2q35.
Variant type: single nucleotide variant.
Coding change: c.1076A>C on transcript NM_000784.4 (MANE Select); coding-DNA position 1076, A replaced by C.
Protein change: p.Glu359Ala; replaces glutamic acid 359 with alanine.
Molecular consequence: missense variant.
Genome position (GRCh38, 1-based): chr2:218,814,079, A>C. VCF-style: chr2-218814079-A-C. GRCh37 (hg19) VCF-style: chr2-219678802-A-C.
Other names: short protein forms E359A.
Identifiers: ClinVar variation 2041909 (VCV002041909.1), dbSNP rs1242219191, ClinGen allele CA350591703.

ClinVar aggregate classification (germline): Uncertain significance (1 of 4 stars; one submission).

Conditions:
Cholestanol storage disease (CTX). Also called: CTX: Cerebrotendinous xanthomatosis; CEREBRAL CHOLESTERINOSIS; Cerebrotendinous Xanthomatosis. Identifiers: Orphanet 909, MedGen C0238052, MONDO:0008948, OMIM 213700.

Allele frequency attached by ClinVar (database versions not stated): gnomAD exomes below 0.00001; TOPMed below 0.00001.

Submission:

Labcorp Genetics (formerly Invitae), Labcorp
Classification: Uncertain significance for Cholestanol storage disease. Last evaluated: 2022-08-03. Review status: criteria provided, single submitter. Criteria: Invitae Variant Classification Sherloc (09022015). Collection method: clinical testing. Allele origin: germline.
Comment: This sequence change replaces glutamic acid, which is acidic and polar, with alanine, which is neutral and non-polar, at codon 359 of the CYP27A1 protein (p.Glu359Ala). This variant is present in population databases (no rsID available, gnomAD 0.01%). This variant has not been reported in the literature in individuals affected with CYP27A1-related conditions. Advanced modeling of protein sequence and biophysical properties (such as structural, functional, and spatial information, amino acid conservation, physicochemical variation, residue mobility, and thermodynamic stability) performed at Invitae indicates that this missense variant is not expected to disrupt CYP27A1 protein function. In summary, the available evidence is currently insufficient to determine the role of this variant in disease. Therefore, it has been classified as a Variant of Uncertain Significance.